The following is an entry in ClinVar:

NM_024675.4(PALB2):c.1929T>G (p.Phe643Leu)

Gene: PALB2 (partner and localizer of BRCA2; minus strand). Cytogenetic location: 16p12.2.
Variant type: single nucleotide variant.
Coding change: c.1929T>G on transcript NM_024675.4 (MANE Select); coding-DNA position 1929, T replaced by G.
Protein change: p.Phe643Leu; replaces phenylalanine 643 with leucine.
Molecular consequence: missense variant.
Genome position (GRCh38, 1-based): chr16:23,630,225, A>C on the plus strand (T>G on the coding strand, the complement: PALB2 is on the minus strand). VCF-style: chr16-23630225-A-C. GRCh37 (hg19) VCF-style: chr16-23641546-A-C.
Other names: c.1869T>G, p.Phe623Leu (NM_001407296.1); c.1929T>G, p.Phe643Leu (NM_001407297.1, NM_001407298.1, NM_001407299.1 and 3 more transcripts); c.1044T>G, p.Phe348Leu (NM_001407304.1, NM_001407305.1, NM_001407306.1 and 5 more transcripts); c.141T>G, p.Phe47Leu (NM_001407312.1, NM_001407313.1); short protein forms F47L, F623L, F643L, F348L.
Identifiers: ClinVar variation 1782825 (VCV001782825.2), dbSNP rs995715653, ClinGen allele CA395127473.
Genomic context (GRCh38, chr16:23,630,225, plus strand): 5'-GCGTTTAGGACTCAGTTCCTCTGGAAAAATACAGCTTCCCTCTTTAAGATGTCTCTCTCC[A>C]AACATTTTTGACTCAAAGGGCTCCACTGGTTTTTCTGAGCAGGACTTCACTTTTTCAAGC-3'
Protein context (NP_078951.2, residues 633-653): KPVEPFESKM[Phe643Leu]GERHLKEGSC

ClinVar aggregate classification (germline): Uncertain significance (1 of 4 stars; one submission).

Conditions:
Hereditary cancer-predisposing syndrome. Also called: Neoplastic Syndromes, Hereditary; Tumor predisposition; Hereditary Cancer Syndrome; Hereditary neoplastic syndrome. Identifiers: Orphanet 140162, MedGen C0027672, MeSH D009386, MONDO:0015356.

Submission:

Ambry Genetics
Classification: Uncertain significance for Hereditary cancer-predisposing syndrome. Last evaluated: 2022-04-24. Review status: criteria provided, single submitter. Criteria: Ambry Variant Classification Scheme 2023. Collection method: clinical testing. Allele origin: germline.
Comment: The p.F643L variant (also known as c.1929T>G), located in coding exon 5 of the PALB2 gene, results from a T to G substitution at nucleotide position 1929. The phenylalanine at codon 643 is replaced by leucine, an amino acid with highly similar properties. This amino acid position is conserved. In addition, this alteration is predicted to be tolerated by in silico analysis. Since supporting evidence is limited at this time, the clinical significance of this alteration remains unclear.